The following is an entry in ClinVar:

NM_001374828.1(ARID1B):c.6258C>G (p.Ala2086=)

Gene: ARID1B (AT-rich interaction domain 1B; plus strand). Cytogenetic location: 6q25.3.
Variant type: single nucleotide variant.
Coding change: c.6258C>G on transcript NM_001374828.1 (MANE Select); coding-DNA position 6258, C replaced by G.
Protein change: p.Ala2086=; no amino-acid change (alanine 2086 retained).
Molecular consequence: synonymous variant.
Genome position (GRCh38, 1-based): chr6:157,207,030, C>G. VCF-style: chr6-157207030-C-G. GRCh37 (hg19) VCF-style: chr6-157528164-C-G.
Other names: c.5889C>G, p.Ala1963= (NM_020732.3); c.3759C>G, p.Ala1253= (NM_001363725.2); c.6138C>G, p.Ala2046= (NM_001371656.1, NM_001374820.1); c.6099C>G, p.Ala2033= (NM_017519.3).
Identifiers: ClinVar variation 210305 (VCV000210305.11), dbSNP rs781082506, ClinGen allele CA207347.

ClinVar aggregate classification (germline): Conflicting classifications of pathogenicity. Review status: criteria provided, conflicting classifications (1 of 4 stars). 4 submissions from 4 submitters: Uncertain significance (1); Likely benign (2). 1 of the submissions does not count toward it. Last evaluated 2023-11-29.

Conditions:
ARID1B-Related Disorder. Identifiers: MedGen CN381337.

Allele frequency attached by ClinVar (database versions not stated): ExAC 0.00001; gnomAD 0.00001; gnomAD exomes 0.00001; TOPMed 0.00002.
gnomAD v4.1: 6 of 1,614,014 alleles (0.00037%); highest among the groups gnomAD compares: African/African-American, 0.0013%; no homozygotes.

Submissions (4):

Blueprint Genetics
Classification: Likely benign. Last evaluated: 2023-11-29. Review status: criteria provided, single submitter. Criteria: ACMG Guidelines, 2015. Collection method: clinical testing. Allele origin: germline.

Labcorp Genetics (formerly Invitae), Labcorp
Classification: Likely benign. Last evaluated: 2023-11-27. Review status: criteria provided, single submitter. Criteria: Invitae Variant Classification Sherloc (09022015). Collection method: clinical testing. Allele origin: germline.

Genetic Services Laboratory, University of Chicago
Classification: Uncertain significance. Last evaluated: 2014-09-04. Review status: criteria provided, single submitter. Criteria: ACMG Guidelines, 2015. Collection method: clinical testing. Allele origin: germline.

PreventionGenetics, part of Exact Sciences
Classification: Likely benign for ARID1B-related condition. Last evaluated: 2024-09-24. Review status: no assertion criteria provided. Collection method: clinical testing. Allele origin: germline. Not counted in ClinVar's aggregate classification.
Comment: This variant is classified as likely benign based on ACMG/AMP sequence variant interpretation guidelines (Richards et al. 2015 PMID: 25741868, with internal and published modifications).